The following is an entry in ClinVar:

NM_003482.4(KMT2D):c.2799T>A (p.Asp933Glu)

Gene: KMT2D (lysine methyltransferase 2D; minus strand). Cytogenetic location: 12q13.12.
Variant type: single nucleotide variant.
Coding change: c.2799T>A on transcript NM_003482.4 (MANE Select); coding-DNA position 2799, T replaced by A.
Protein change: p.Asp933Glu; replaces aspartic acid 933 with glutamic acid.
Molecular consequence: missense variant.
Genome position (GRCh38, 1-based): chr12:49,050,789, A>T on the plus strand (T>A on the coding strand, the complement: KMT2D is on the minus strand). VCF-style: chr12-49050789-A-T. GRCh37 (hg19) VCF-style: chr12-49444572-A-T.
Other names: short protein forms D933E.
Identifiers: ClinVar variation 2036304 (VCV002036304.7), dbSNP rs1427768999, ClinGen allele CA384661350.

ClinVar aggregate classification (germline): Uncertain significance. Review status: criteria provided, multiple submitters, no conflicts (2 of 4 stars). 3 submissions from 3 submitters: Uncertain significance (3). Last evaluated 2025-02-13.

Conditions:
Kabuki syndrome. Also called: Kabuki make-up syndrome; NIIKAWA-KUROKI SYNDROME. Identifiers: Orphanet 2322, MedGen C0796004, MONDO:0016512.
KMT2D-related disorder. Also called: KMT2D-Related Disorders.

Allele frequency attached by ClinVar (database versions not stated): gnomAD exomes below 0.00001.
gnomAD v4.1: 1 of 1,597,466 alleles (0.000063%); highest among the groups gnomAD compares: Non-Finnish European, 0.000086%; no homozygotes.

Submissions (3):

Dasa
Classification: Uncertain significance. Last evaluated: 2025-02-13. Review status: criteria provided, single submitter. Criteria: DASA Assertion Criteria. Collection method: clinical testing. Allele origin: germline.
Comment: NM_003482.4(KMT2D):c.2799T>A (p.Asp933Glu) is a missense variant that results in the substitution of aspartic acid with glutamic acid. This variant is rare in population databases. Computational prediction algorithms are consistent with a benign effect. The currently available literature and clinical evidence are not sufficient to establish a definitive association between this variant and the reported condition. Therefore, this variant is classified as a variant of uncertain significance.

PreventionGenetics, part of Exact Sciences
Classification: Uncertain significance for KMT2D-related condition. Last evaluated: 2024-10-17. Review status: criteria provided, single submitter. Criteria: ACMG Guidelines, 2015. Collection method: clinical testing. Allele origin: germline.
Comment: The KMT2D c.2799T>A variant is predicted to result in the amino acid substitution p.Asp933Glu. To our knowledge, this variant has not been reported in the literature or in a large population database (gnomAD), indicating this variant is rare. At this time, the clinical significance of this variant is uncertain due to the absence of conclusive functional and genetic evidence.

Labcorp Genetics (formerly Invitae), Labcorp
Classification: Uncertain significance for Kabuki syndrome. Last evaluated: 2021-12-07. Review status: criteria provided, single submitter. Criteria: Invitae Variant Classification Sherloc (09022015). Collection method: clinical testing. Allele origin: germline.
Comment: In summary, the available evidence is currently insufficient to determine the role of this variant in disease. Therefore, it has been classified as a Variant of Uncertain Significance. Algorithms developed to predict the effect of missense changes on protein structure and function are either unavailable or do not agree on the potential impact of this missense change (SIFT: "Deleterious"; PolyPhen-2: "Not Available"; Align-GVGD: "Class C0"). This variant has not been reported in the literature in individuals affected with KMT2D-related conditions. This variant is not present in population databases (gnomAD no frequency). This sequence change replaces aspartic acid, which is acidic and polar, with glutamic acid, which is acidic and polar, at codon 933 of the KMT2D protein (p.Asp933Glu).